The following is an entry in ClinVar:

ClinVar aggregate classification (germline): Pathogenic. Review status: criteria provided, multiple submitters, no conflicts (2 of 4 stars). 3 submissions from 3 submitters: Pathogenic (3). Last evaluated 2024-09-03.

Conditions:
Cardiovascular phenotype. Identifiers: MedGen CN230736.
Hereditary hemorrhagic telangiectasia (HHT). Also called: ORW DISEASE; Osler Weber Rendu syndrome; OSLER-RENDU-WEBER DISEASE; Osler hemorrhagic telangiectasia syndrome. Identifiers: Orphanet 774, MedGen C0039445, MONDO:0019180. Disease mechanism: loss of function.
ENG-related disorder. Also called: ENG-related condition; ENG-related disorders.

Submissions (3):

Blueprint Genetics
Classification: Pathogenic for ENG-related disorders. Last evaluated: 2024-09-03. Review status: criteria provided, single submitter. Criteria: ACMG Guidelines, 2015. Collection method: clinical testing. Allele origin: germline. Affected: yes. Observed: 2 variant alleles.

Labcorp Genetics (formerly Invitae), Labcorp
Classification: Pathogenic for Hereditary hemorrhagic telangiectasia. Last evaluated: 2023-12-08. Review status: criteria provided, single submitter. Criteria: Invitae Variant Classification Sherloc (09022015). Collection method: clinical testing. Allele origin: germline.
Comment: This sequence change creates a premature translational stop signal (p.Gln77*) in the ENG gene. It is expected to result in an absent or disrupted protein product. Loss-of-function variants in ENG are known to be pathogenic (PMID: 15879500). This variant is not present in population databases (gnomAD no frequency). This premature translational stop signal has been observed in individual(s) with hereditary hemorrhagic telangiectasia (PMID: 12786761). ClinVar contains an entry for this variant (Variation ID: 651893). For these reasons, this variant has been classified as Pathogenic.

Ambry Genetics
Classification: Pathogenic for Cardiovascular phenotype. Last evaluated: 2021-12-07. Review status: criteria provided, single submitter. Criteria: Ambry Variant Classification Scheme 2023. Collection method: clinical testing. Allele origin: germline.
Comment: The p.Q77* pathogenic mutation (also known as c.229C>T), located in coding exon 3 of the ENG gene, results from a C to T substitution at nucleotide position 229. This changes the amino acid from a glutamine to a stop codon within coding exon 3. This mutation has been reported in individuals with hereditary hemorrhagic telangiectasia (HHT) and related clinical findings (Ambry internal data; Lastella P et al. Clin Genet, 2003 Jun;63:536-40). This variant is considered to be rare based on population cohorts in the Genome Aggregation Database (gnomAD). This alteration is expected to result in loss of function by premature protein truncation or nonsense-mediated mRNA decay. As such, this alteration is interpreted as a disease-causing mutation.

Literature cited by the submitters: PubMed 15879500 (cited by Labcorp Genetics (formerly Invitae), Labcorp); PubMed 12786761 (cited by Labcorp Genetics (formerly Invitae), Labcorp and Ambry Genetics); PubMed 23801935 (cited by Ambry Genetics).

NM_001114753.3(ENG):c.229C>T (p.Gln77Ter)

Gene: ENG (endoglin; minus strand). Cytogenetic location: 9q34.11.
Variant type: single nucleotide variant.
Coding change: c.229C>T on transcript NM_001114753.3 (MANE Select); coding-DNA position 229, C replaced by T.
Protein change: p.Gln77Ter; replaces glutamine 77 with a stop codon.
Molecular consequence: nonsense. On other transcripts: 5 prime UTR variant (1).
Genome position (GRCh38, 1-based): chr9:127,829,818, G>A on the plus strand (C>T on the coding strand, the complement: ENG is on the minus strand). VCF-style: chr9-127829818-G-A. GRCh37 (hg19) VCF-style: chr9-130592097-G-A.
Other names: c.229C>T, p.Gln77Ter (NM_000118.4, NM_001406715.1); c.-318C>T (NM_001278138.2); short protein forms Q77*.
Identifiers: ClinVar variation 651893 (VCV000651893.11), dbSNP rs1588585997, ClinGen allele CA374986424.